The following is an entry in ClinVar:

NM_003242.6(TGFBR2):c.403A>G (p.Met135Val)

Gene: TGFBR2 (transforming growth factor beta receptor 2; plus strand). Cytogenetic location: 3p24.1.
Variant type: single nucleotide variant.
Coding change: c.403A>G on transcript NM_003242.6 (MANE Select); coding-DNA position 403, A replaced by G.
Protein change: p.Met135Val; replaces methionine 135 with valine.
Molecular consequence: missense variant.
Genome position (GRCh38, 1-based): chr3:30,650,409, A>G. VCF-style: chr3-30650409-A-G. GRCh37 (hg19) VCF-style: chr3-30691901-A-G.
Other names: c.478A>G, p.Met160Val (NM_001024847.3, NM_001407126.1, NM_001407139.1); c.403A>G, p.Met135Val (NM_001407127.1, NM_001407130.1); c.430A>G, p.Met144Val (NM_001407128.1); c.298A>G, p.Met100Val (NM_001407129.1, NM_001407132.1, NM_001407133.1 and 3 more transcripts); short protein forms M135V, M160V, M144V, M100V.
Identifiers: ClinVar variation 1171647 (VCV001171647.14), dbSNP rs377455599, ClinGen allele CA048250.

ClinVar aggregate classification (germline): Uncertain significance. Review status: criteria provided, multiple submitters, no conflicts (2 of 4 stars). 4 submissions from 4 submitters: Uncertain significance (4). Last evaluated 2024-03-06.

Conditions:
Familial thoracic aortic aneurysm and aortic dissection (TAAD). Also called: Thoracic aortic aneurysms and dissections. Identifiers: Orphanet 91387, MedGen C4707243, MONDO:0019625.
Loeys-Dietz syndrome 2 (LDS2). Also called: AORTIC ANEURYSM, FAMILIAL THORACIC 3; MARFAN SYNDROME, TYPE II; Marfan Syndrome type 2; Marfan like connective tissue disorder; MFS 2; TGFBR2-Related Loeys-Dietz Syndrome. Identifiers: Orphanet 284973, Orphanet 558, MedGen C2674574, MONDO:0012427, OMIM 610168.

Allele frequency attached by ClinVar (database versions not stated): gnomAD 0.00001; gnomAD exomes 0.00001; TOPMed 0.00001; ExAC 0.00002; ESP Exome Variant Server 0.00008; 1000 Genomes Project 0.00020; 1000 Genomes Project 30x 0.00031.

Submissions (4):

Color Diagnostics, LLC DBA Color Health
Classification: Uncertain significance for Familial thoracic aortic aneurysm and aortic dissection. Last evaluated: 2024-03-06. Review status: criteria provided, single submitter. Criteria: ACMG Guidelines, 2015. Collection method: clinical testing. Allele origin: germline.
Comment: This missense variant replaces methionine with valine at codon 135 of the TGFBR2 protein. Computational prediction suggests that this variant may not impact protein structure and function (internally defined REVEL score threshold <= 0.5, PMID: 27666373). To our knowledge, functional studies have not been reported for this variant. This variant has not been reported in individuals affected with TGFBR2-related disorders in the literature. This variant has been identified in 2/250884 chromosomes in the general population by the Genome Aggregation Database (gnomAD). The available evidence is insufficient to determine the role of this variant in disease conclusively. Therefore, this variant is classified as a Variant of Uncertain Significance.

All of Us Research Program, National Institutes of Health
Classification: Uncertain significance for Loeys-Dietz syndrome 2. Last evaluated: 2023-12-13. Review status: criteria provided, single submitter. Criteria: ACMG Guidelines, 2015. Collection method: clinical testing. Allele origin: germline. Inheritance: Autosomal dominant inheritance. Observed: 1 variant allele, 1 heterozygote.
Comment: This missense variant replaces methionine with valine at codon 135 of the TGFBR2 protein. Computational prediction suggests that this variant may not impact protein structure and function (internally defined REVEL score threshold <= 0.5, PMID: 27666373). To our knowledge, functional studies have not been reported for this variant. This variant has not been reported in individuals affected with cardiovascular disorders in the literature. This variant has been identified in 2/250884 chromosomes in the general population by the Genome Aggregation Database (gnomAD). The available evidence is insufficient to determine the role of this variant in disease conclusively. Therefore, this variant is classified as a Variant of Uncertain Significance.

This study involves interpretation of variants in research participants for the purpose of population health screening. Participant phenotype was not available at the time of variant classification. Additional details can be found in publication PMID: 35346344, PMCID: PMC8962531

Labcorp Genetics (formerly Invitae), Labcorp
Classification: Uncertain significance for Familial thoracic aortic aneurysm and aortic dissection. Last evaluated: 2022-05-17. Review status: criteria provided, single submitter. Criteria: Invitae Variant Classification Sherloc (09022015). Collection method: clinical testing. Allele origin: germline.
Comment: This sequence change replaces methionine, which is neutral and non-polar, with valine, which is neutral and non-polar, at codon 135 of the TGFBR2 protein (p.Met135Val). This variant is present in population databases (rs377455599, gnomAD 0.003%). This variant has not been reported in the literature in individuals affected with TGFBR2-related conditions. ClinVar contains an entry for this variant (Variation ID: 1171647). Advanced modeling of protein sequence and biophysical properties (such as structural, functional, and spatial information, amino acid conservation, physicochemical variation, residue mobility, and thermodynamic stability) performed at Invitae indicates that this missense variant is not expected to disrupt TGFBR2 protein function. Algorithms developed to predict the effect of sequence changes on RNA splicing suggest that this variant may create or strengthen a splice site. In summary, the available evidence is currently insufficient to determine the role of this variant in disease. Therefore, it has been classified as a Variant of Uncertain Significance.

Ambry Genetics
Classification: Uncertain significance for Familial thoracic aortic aneurysm and aortic dissection. Last evaluated: 2021-11-02. Review status: criteria provided, single submitter. Criteria: Ambry Variant Classification Scheme 2023. Collection method: clinical testing. Allele origin: germline.
Comment: The p.M135V variant (also known as c.403A>G), located in coding exon 3 of the TGFBR2 gene, results from an A to G substitution at nucleotide position 403. The methionine at codon 135 is replaced by valine, an amino acid with highly similar properties. This amino acid position is conserved. In addition, the in silico prediction for this alteration is inconclusive. Since supporting evidence is limited at this time, the clinical significance of this alteration remains unclear.